The following is an entry in ClinVar:

NM_000075.4(CDK4):c.898_907del (p.Gly300fs)

Genes: CDK4 (cyclin dependent kinase 4; minus strand), TSPAN31 (tetraspanin 31; plus strand). Cytogenetic location: 12q14.1.
Variant type: Deletion.
Coding change: c.898_907del on transcript NM_000075.4 (MANE Select); coding-DNA positions 898 to 907, 10 bases deleted (GGTAATCCGG; older notation c.898_907delGGTAATCCGG).
Protein change: p.Gly300fs; shifts the reading frame from glycine 300.
Molecular consequence: frameshift variant. On other transcripts: 3 prime UTR variant (3).
Genome position (GRCh38, 1-based): chr12:57,748,530-57,748,539, CCGGATTACC deleted on the plus strand (GGTAATCCGG on the coding strand, the reverse complement: CDK4 is on the minus strand). VCF-style (leftmost placement, unchanged base first): chr12-57748529-TCCGGATTACC-T. GRCh37 (hg19) VCF-style: chr12-58142312-TCCGGATTACC-T.
Other names: c.*1240_*1249del (NM_001330168.2, NM_001330169.2, NM_005981.5); short protein forms G300fs.
Identifiers: ClinVar variation 1765323 (VCV001765323.6), dbSNP rs2540892681, ClinGen allele CA2575206283.

ClinVar aggregate classification (germline): Uncertain significance. Review status: criteria provided, multiple submitters, no conflicts (2 of 4 stars). 2 submissions from 2 submitters: Uncertain significance (2). Last evaluated 2026-08-03.

Conditions:
Familial melanoma. Also called: Hereditary melanoma; Hereditary cutaneous melanoma. Identifiers: Orphanet 618, MedGen C1512419, MONDO:0018961.
Hereditary cancer-predisposing syndrome. Also called: Hereditary Cancer Syndrome; Hereditary neoplastic syndrome; Neoplastic Syndromes, Hereditary; Tumor predisposition. Identifiers: Orphanet 140162, MedGen C0027672, MeSH D009386, MONDO:0015356.

Allele frequency attached by ClinVar (database versions not stated): gnomAD exomes below 0.00001.

Submissions (2):

Ambry Genetics
Classification: Uncertain significance for Hereditary cancer-predisposing syndrome. Last evaluated: 2026-08-03. Review status: criteria provided, single submitter. Criteria: Ambry Variant Classification Scheme 2023. Collection method: clinical testing. Allele origin: germline.
Comment: The c.898_907del10 variant, located in coding exon 7 of the CDK4 gene, results from a deletion of 10 nucleotides at nucleotide positions 898 to 907, causing a translational frameshift with a predicted alternate stop codon (p.G300Sfs*21). This variant occurs at the 3' terminus of the gene and is not expected to trigger nonsense-mediated mRNA decay. Based on the available evidence, the clinical significance of this variant remains unclear.

Labcorp Genetics (formerly Invitae), Labcorp
Classification: Uncertain significance for Familial melanoma. Last evaluated: 2025-07-21. Review status: criteria provided, single submitter. Criteria: Invitae Variant Classification Sherloc (09022015). Collection method: clinical testing. Allele origin: germline.
Comment: This sequence change is expected to alter the c-terminus of the CDK4 protein (p.Gly300Serfs*21). While this is not anticipated to result in nonsense mediated decay, it is expected to disrupt the last 4 amino acid(s) of the CDK4 protein and extend the protein by 16 additional amino acid residues. This variant is not present in population databases (gnomAD no frequency). This variant has not been reported in the literature in individuals affected with CDK4-related conditions. ClinVar contains an entry for this variant (Variation ID: 1765323). Algorithms developed to predict the effect of sequence changes on RNA splicing suggest that this variant may create or strengthen a splice site. In summary, the available evidence is currently insufficient to determine the role of this variant in disease. Therefore, it has been classified as a Variant of Uncertain Significance.